The following is an entry in ClinVar:

NM_001130144.3(LTBP3):c.1063+2_1063+5dup

Gene: LTBP3 (latent transforming growth factor beta binding protein 3; minus strand). Cytogenetic location: 11q13.1.
Variant type: Duplication.
Coding change: c.1063+2_1063+5dup on transcript NM_001130144.3 (MANE Select); the canonical splice donor site of the intron after coding-DNA position 1063 through 5 bases into the intron after coding-DNA position 1063, 4 bases duplicated (TATG; older notation c.1063+2_1063+5dupTATG).
Molecular consequence: splice donor variant.
Genome position (GRCh38, 1-based): chr11:65,553,159-65,553,162, CATA duplicated on the plus strand (TATG on the coding strand, the reverse complement: LTBP3 is on the minus strand); duplicating any 4 consecutive bases within chr11:65,553,159-65,553,163 gives the same sequence; the c. name uses the placement nearest the transcript's 3' end. VCF-style (leftmost placement, unchanged base first): chr11-65553158-C-CCATA. GRCh37 (hg19) VCF-style: chr11-65320629-C-CCATA.
Other names: c.712+2_712+5dup (NM_001164266.1); c.1063+2_1063+5dup (NM_021070.4).
Identifiers: ClinVar variation 4725800 (VCV004725800.1).
Genomic context (GRCh38, chr11:65,553,158, plus strand): 5'-CCCTCCCCACCCCCAGTGATGGCTGGCCTGCCCCTCCAGCCCACAGAATCTCCTAGCTGG[C>CCATA]CATACCCTGGCAGTGGGTGCTGTTAAGCCTCTTGTAGCCCTGGGGACAGTCAGCGCCCAC-3'

ClinVar aggregate classification (germline): Uncertain significance (1 of 4 stars; one submission).

Conditions:
Brachyolmia-amelogenesis imperfecta syndrome. Also called: PLATYSPONDYLY WITH AMELOGENESIS IMPERFECTA; Tooth agenesis, selective, 6; Dental anomalies and short stature. Identifiers: Orphanet 2899, MedGen C1832594, MONDO:0011018, OMIM 601216. Disease mechanism: loss of function.

Submission:

Labcorp Genetics (formerly Invitae), Labcorp
Classification: Uncertain significance for Brachyolmia-amelogenesis imperfecta syndrome. Last evaluated: 2025-08-20. Review status: criteria provided, single submitter. Criteria: Invitae Variant Classification Sherloc (09022015). Collection method: clinical testing. Allele origin: germline.
Comment: This sequence change falls in intron 5 of the LTBP3 gene. It does not directly change the encoded amino acid sequence of the LTBP3 protein. It affects a nucleotide within the consensus splice site. This variant is not present in population databases (gnomAD no frequency). This variant has not been reported in the literature in individuals affected with LTBP3-related conditions. Variants that disrupt the consensus splice site are a relatively common cause of aberrant splicing (PMID: 17576681, 9536098). Algorithms developed to predict the effect of sequence changes on RNA splicing suggest that this variant is not likely to affect RNA splicing. In summary, the available evidence is currently insufficient to determine the role of this variant in disease. Therefore, it has been classified as a Variant of Uncertain Significance.

Literature cited by the submitters: PubMed 17576681; PubMed 9536098.